The following is an entry in ClinVar:

ClinVar aggregate classification (germline): Likely benign (1 of 4 stars; one submission).

gnomAD v4.1: 2 of 1,611,322 alleles (0.00012%); highest among the groups gnomAD compares: Admixed American, 0.0034%; no homozygotes.

Submission:

Laboratory for Molecular Medicine, Mass General Brigham Personalized Medicine
Classification: Likely benign. Last evaluated: 2015-02-04. Review status: criteria provided, single submitter. Criteria: LMM Criteria. Collection method: clinical testing. Allele origin: germline. Observed: 1 variant allele.
Comment: c.1413+13C>T in intron 16 of USH1C: This variant is not expected to have clinica l significance because it does not alter an amino acid residue and is not locate d within the splice consensus sequence.

NM_153676.4(USH1C):c.1413+13C>T

Gene: USH1C (USH1 protein network component harmonin; minus strand). Cytogenetic location: 11p15.1.
Variant type: single nucleotide variant.
Coding change: c.1413+13C>T on transcript NM_153676.4 (MANE Select); 13 bases into the intron after coding-DNA position 1413, C replaced by T.
Molecular consequence: intron variant.
Genome position (GRCh38, 1-based): chr11:17,511,889, G>A on the plus strand (C>T on the coding strand, the complement: USH1C is on the minus strand). VCF-style: chr11-17511889-G-A. GRCh37 (hg19) VCF-style: chr11-17533436-G-A.
Other names: c.1227+5512C>T (NM_001297764.2); c.1284+5512C>T (NM_005709.4).
Identifiers: ClinVar variation 228191 (VCV000228191.5), dbSNP rs876657623, ClinGen allele CA10576845.